The following is an entry in ClinVar:

ClinVar aggregate classification (germline): Pathogenic (1 of 4 stars; one submission).

Conditions:
Congenital myasthenic syndrome 4A. Also called: CONGENITAL MYASTHENIC SYNDROME TYPE Ia1; Myasthenic syndrome, congenital, 4a, slow-channel; MYASTHENIC SYNDROME, CONGENITAL, 4A, SLOW-CHANNEL, AUTOSOMAL RECESSIVE. Identifiers: Orphanet 590, MedGen C4225413, MONDO:0011600, OMIM 605809.

Submission:

Labcorp Genetics (formerly Invitae), Labcorp
Classification: Pathogenic for Congenital myasthenic syndrome 4A. Last evaluated: 2022-03-20. Review status: criteria provided, single submitter. Criteria: Invitae Variant Classification Sherloc (09022015). Collection method: clinical testing. Allele origin: germline.
Comment: For these reasons, this variant has been classified as Pathogenic. This variant has not been reported in the literature in individuals affected with CHRNE-related conditions. This variant is not present in population databases (gnomAD no frequency). This sequence change creates a premature translational stop signal (p.Val285Serfs*15) in the CHRNE gene. It is expected to result in an absent or disrupted protein product. Loss-of-function variants in CHRNE are known to be pathogenic (PMID: 22678886).

Literature cited by the submitters: PubMed 22678886.

NM_000080.4(CHRNE):c.852del (p.Val285fs)

Genes: C17orf107 (chromosome 17 open reading frame 107; plus strand), CHRNE (cholinergic receptor nicotinic epsilon subunit; minus strand). Cytogenetic location: 17p13.2.
Variant type: Deletion.
Coding change: c.852del on transcript NM_000080.4 (MANE Select); coding-DNA position 852, one base deleted (C; older notation c.852delC).
Protein change: p.Val285fs; shifts the reading frame from valine 285.
Molecular consequence: frameshift variant. On other transcripts: 3 prime UTR variant (1).
Genome position (GRCh38, 1-based): chr17:4,900,858, G deleted on the plus strand (C on the coding strand, the reverse complement: CHRNE is on the minus strand); the first of 2 consecutive G bases (chr17:4,900,858-4,900,859); deleting either gives the same sequence. VCF-style (leftmost placement, unchanged base first): chr17-4900857-CG-C. GRCh37 (hg19) VCF-style: chr17-4804152-CG-C.
Other names: c.*326del (NM_001145536.2); short protein forms V285fs.
Identifiers: ClinVar variation 2108647 (VCV002108647.4), dbSNP rs2507553289, ClinGen allele CA2576135826.